The following is an entry in ClinVar:

NM_017617.5(NOTCH1):c.650G>T (p.Arg217Leu)

Gene: NOTCH1 (notch receptor 1; minus strand). Cytogenetic location: 9q34.3.
Variant type: single nucleotide variant.
Coding change: c.650G>T on transcript NM_017617.5 (MANE Select); coding-DNA position 650, G replaced by T.
Protein change: p.Arg217Leu; replaces arginine 217 with leucine.
Molecular consequence: missense variant.
Genome position (GRCh38, 1-based): chr9:136,522,942, C>A on the plus strand (G>T on the coding strand, the complement: NOTCH1 is on the minus strand). VCF-style: chr9-136522942-C-A. GRCh37 (hg19) VCF-style: chr9-139417394-C-A.
Other names: short protein forms R217L.
Identifiers: ClinVar variation 3691969 (VCV003691969.2).
Genomic context (GRCh38, chr9:136,522,942, plus strand): 5'-CCCGTGGGGCGGCAGGTGCCCCCGTTCTGGCAGGGCGAGGGGCTGCAGGGCACGTAGGGC[C>A]GCTCGCAGTTGGGGCCAGTGTGGGTGGCGCGGCAGACGCAGCGGTAGGAGCCGACCTCGT-3'
Protein context (NP_060087.3, residues 207-227): RATHTGPNCE[Arg217Leu]PYVPCSPSPC

ClinVar aggregate classification (germline): Uncertain significance (1 of 4 stars; one submission).

Conditions:
Adams-Oliver syndrome 5 (AOS5). Identifiers: Orphanet 974, MedGen C4014970, MONDO:0014459, OMIM 616028.

Submission:

Labcorp Genetics (formerly Invitae), Labcorp
Classification: Uncertain significance for Adams-Oliver syndrome 5. Last evaluated: 2024-09-20. Review status: criteria provided, single submitter. Criteria: Invitae Variant Classification Sherloc (09022015). Collection method: clinical testing. Allele origin: germline.
Comment: This sequence change replaces arginine, which is basic and polar, with leucine, which is neutral and non-polar, at codon 217 of the NOTCH1 protein (p.Arg217Leu). This variant is not present in population databases (gnomAD no frequency). This variant has not been reported in the literature in individuals affected with NOTCH1-related conditions. Invitae Evidence Modeling of protein sequence and biophysical properties (such as structural, functional, and spatial information, amino acid conservation, physicochemical variation, residue mobility, and thermodynamic stability) indicates that this missense variant is not expected to disrupt NOTCH1 protein function with a negative predictive value of 95%. In summary, the available evidence is currently insufficient to determine the role of this variant in disease. Therefore, it has been classified as a Variant of Uncertain Significance.